The following is an entry in ClinVar:

NM_198123.2(CSMD3):c.710-5A>T

Gene: CSMD3 (CUB and Sushi multiple domains 3; minus strand). Cytogenetic location: 8q23.3.
Variant type: single nucleotide variant.
Coding change: c.710-5A>T on transcript NM_198123.2 (MANE Select); 5 bases into the intron before coding-DNA position 710, A replaced by T.
Molecular consequence: intron variant.
Genome position (GRCh38, 1-based): chr8:113,098,968, T>A on the plus strand (A>T on the coding strand, the complement: CSMD3 is on the minus strand). VCF-style: chr8-113098968-T-A. GRCh37 (hg19) VCF-style: chr8-114111197-T-A.
Other names: NC_000008.10:g.114111197T>A; c.710-5A>T (NM_001363185.1, NM_052900.3); c.590-5A>T (NM_198124.2).
Identifiers: ClinVar variation 3056437 (VCV003056437.3), dbSNP rs61753741, ClinGen allele CA4851155.

ClinVar aggregate classification (germline): Benign (0 of 4 stars; one submission).

Conditions:
CSMD3-related disorder. Also called: CSMD3-related condition.

Allele frequency attached by ClinVar (database versions not stated): gnomAD exomes 0.05733; ExAC 0.08002; ESP Exome Variant Server 0.09282; gnomAD 0.09608; TOPMed 0.09776; 1000 Genomes Project 0.14696; 1000 Genomes Project 30x 0.14710.
gnomAD v4.1: 97,410 of 1,581,928 alleles (6.2%); highest among the groups gnomAD compares: African/African-American, 20%; 4,550 homozygotes.

Submissions (7):

PreventionGenetics, part of Exact Sciences
Classification: Benign for CSMD3-related condition. Last evaluated: 2020-02-04. Review status: no assertion criteria provided. Collection method: clinical testing. Allele origin: germline.
Comment: This variant is classified as benign based on ACMG/AMP sequence variant interpretation guidelines (Richards et al. 2015 PMID: 25741868, with internal and published modifications).

Dr. Peter K. Rogan Lab, Western University
No classification provided (evidence only). Condition: Acute myeloid leukemia. Review status: no classification provided. Collection method: in vitro. Allele origin: not applicable. Functional consequence: retained intron. Not counted in ClinVar's aggregate classification.

Dr. Peter K. Rogan Lab, Western University
No classification provided (evidence only). Condition: Nonpapillary renal cell carcinoma. Review status: no classification provided. Collection method: in vitro. Allele origin: not applicable. Functional consequence: retained intron. Not counted in ClinVar's aggregate classification.

Dr. Peter K. Rogan Lab, Western University
No classification provided (evidence only). Condition: Nonpapillary renal cell carcinoma. Review status: no classification provided. Collection method: in vitro. Allele origin: not applicable. Functional consequence: retained intron. Not counted in ClinVar's aggregate classification.

Dr. Peter K. Rogan Lab, Western University
No classification provided (evidence only). Condition: Thymoma. Review status: no classification provided. Collection method: in vitro. Allele origin: not applicable. Functional consequence: retained intron. Not counted in ClinVar's aggregate classification.

Dr. Peter K. Rogan Lab, Western University
No classification provided (evidence only). Condition: Thymoma. Review status: no classification provided. Collection method: in vitro. Allele origin: not applicable. Functional consequence: retained intron. Not counted in ClinVar's aggregate classification.

Dr. Peter K. Rogan Lab, Western University
No classification provided (evidence only). Condition: Uterine carcinosarcoma. Review status: no classification provided. Collection method: in vitro. Allele origin: not applicable. Functional consequence: retained intron. Not counted in ClinVar's aggregate classification.